The following is an entry in ClinVar:

NM_145068.4(TRPV3):c.1661C>T (p.Ala554Val)

Gene: TRPV3 (transient receptor potential cation channel subfamily V member 3; minus strand). Cytogenetic location: 17p13.2.
Variant type: single nucleotide variant.
Coding change: c.1661C>T on transcript NM_145068.4 (MANE Select); coding-DNA position 1661, C replaced by T.
Protein change: p.Ala554Val; replaces alanine 554 with valine.
Molecular consequence: missense variant.
Genome position (GRCh38, 1-based): chr17:3,524,280, G>A on the plus strand (C>T on the coding strand, the complement: TRPV3 is on the minus strand). VCF-style: chr17-3524280-G-A. GRCh37 (hg19) VCF-style: chr17-3427574-G-A.
Other names: c.1661C>T, p.Ala554Val (NM_001258205.2); short protein forms A554V.
Identifiers: ClinVar variation 3621425 (VCV003621425.2).

ClinVar aggregate classification (germline): Uncertain significance (1 of 4 stars; one submission).

gnomAD v4.1: 10 of 1,614,122 alleles (0.00062%); highest among the groups gnomAD compares: Non-Finnish European, 0.00085%; no homozygotes.

Submission:

Labcorp Genetics (formerly Invitae), Labcorp
Classification: Uncertain significance. Last evaluated: 2024-11-21. Review status: criteria provided, single submitter. Criteria: Invitae Variant Classification Sherloc (09022015). Collection method: clinical testing. Allele origin: germline.
Comment: This sequence change replaces alanine, which is neutral and non-polar, with valine, which is neutral and non-polar, at codon 554 of the TRPV3 protein (p.Ala554Val). This variant is present in population databases (no rsID available, gnomAD 0.0009%). This variant has not been reported in the literature in individuals affected with TRPV3-related conditions. Invitae Evidence Modeling of protein sequence and biophysical properties (such as structural, functional, and spatial information, amino acid conservation, physicochemical variation, residue mobility, and thermodynamic stability) indicates that this missense variant is expected to disrupt TRPV3 protein function with a positive predictive value of 95%. In summary, the available evidence is currently insufficient to determine the role of this variant in disease. Therefore, it has been classified as a Variant of Uncertain Significance.